The following is an entry in ClinVar:

NM_031885.5(BBS2):c.217C>T (p.Gln73Ter)

Gene: BBS2 (Bardet-Biedl syndrome 2; minus strand). Cytogenetic location: 16q13.
Variant type: single nucleotide variant.
Coding change: c.217C>T on transcript NM_031885.5 (MANE Select); coding-DNA position 217, C replaced by T.
Protein change: p.Gln73Ter; replaces glutamine 73 with a stop codon.
Molecular consequence: nonsense. On other transcripts: non-coding transcript variant (5).
Genome position (GRCh38, 1-based): chr16:56,514,581, G>A on the plus strand (C>T on the coding strand, the complement: BBS2 is on the minus strand). VCF-style: chr16-56514581-G-A. GRCh37 (hg19) VCF-style: chr16-56548493-G-A.
Other names: c.217C>T, p.Gln73Ter (NM_001377456.1); short protein forms Q73*.
Identifiers: ClinVar variation 984329 (VCV000984329.4), dbSNP rs199940492, ClinGen allele CA395985928.

ClinVar aggregate classification (germline): Likely pathogenic. Review status: criteria provided, multiple submitters, no conflicts (2 of 4 stars). 2 submissions from 2 submitters: Likely pathogenic (2). Last evaluated 2024-01-09.

Conditions:
Bardet-Biedl syndrome 2 (BBS2). Identifiers: Orphanet 110, MedGen C2936863, MONDO:0014432, OMIM 615981.
Retinitis pigmentosa 74 (RP74). Identifiers: Orphanet 791, MedGen C4225281, MONDO:0014692, OMIM 616562.

Submissions (2):

Fulgent Genetics
Classification: Likely pathogenic for Bardet-Biedl syndrome 2; Retinitis pigmentosa 74. Last evaluated: 2024-01-09. Review status: criteria provided, single submitter. Criteria: ACMG Guidelines, 2015. Collection method: clinical testing. Allele origin: germline.

Myriad Genetics, Inc.
Classification: Likely pathogenic for Bardet-Biedl syndrome 2. Last evaluated: 2019-04-01. Review status: criteria provided, single submitter. Criteria: Myriad Women's Health Autosomal Recessive and X-Linked Classification Criteria (2019). Collection method: clinical testing. Allele origin: unknown.
Comment: NM_031885.3(BBS2):c.217C>T(Q73*) is expected to be pathogenic in the context of Bardet-Biedl syndrome, BBS2-related. This variant is predicted to lead to an abnormal or absent protein product due to the creation of a premature termination codon in BBS2, a gene where loss-of-function variants are known to be pathogenic. Please note: this variant was assessed in the context of healthy population screening.